The following is an entry in ClinVar:

NM_004260.4(RECQL4):c.1817A>G (p.Glu606Gly)

Gene: RECQL4 (RecQ like helicase 4; minus strand). Cytogenetic location: 8q24.3.
Variant type: single nucleotide variant.
Coding change: c.1817A>G on transcript NM_004260.4 (MANE Select); coding-DNA position 1817, A replaced by G.
Protein change: p.Glu606Gly; replaces glutamic acid 606 with glycine.
Molecular consequence: missense variant. On other transcripts: intron variant (3), non-coding transcript variant (3).
Genome position (GRCh38, 1-based): chr8:144,514,250, T>C on the plus strand (A>G on the coding strand, the complement: RECQL4 is on the minus strand). VCF-style: chr8-144514250-T-C. GRCh37 (hg19) VCF-style: chr8-145739634-T-C.
Other names: c.568-20A>G (NM_001413031.1); c.634-20A>G (NM_001413037.1); c.1787A>G, p.Glu596Gly (NM_001413039.1); c.746A>G, p.Glu249Gly (NM_001413040.1, NM_001413021.1, NM_001413022.1 and 6 more transcripts); c.680A>G, p.Glu227Gly (NM_001413041.1, NM_001413027.1, NM_001413030.1 and 1 more transcripts); c.716A>G, p.Glu239Gly (NM_001413042.1); c.350A>G, p.Glu117Gly (NM_001413043.1); c.1705-20A>G (NM_001413033.1); and 4 more; short protein forms E117G, E227G, E239G, E249G, E489G, E563G, E574G, E596G.
Identifiers: ClinVar variation 4863151 (VCV004863151.1).

ClinVar aggregate classification (germline): Uncertain significance (1 of 4 stars; one submission).

Conditions:
Inborn genetic diseases. Identifiers: MedGen C0950123, MeSH D030342.

Submission:

Ambry Genetics
Classification: Uncertain significance for Inborn genetic diseases. Last evaluated: 2026-03-28. Review status: criteria provided, single submitter. Criteria: Ambry Variant Classification Scheme 2023. Collection method: clinical testing. Allele origin: germline.
Comment: The p.E606G variant (also known as c.1817A>G), located in coding exon 11 of the RECQL4 gene, results from an A to G substitution at nucleotide position 1817. The glutamic acid at codon 606 is replaced by glycine, an amino acid with similar properties. This amino acid position is conserved. In addition, this alteration is predicted to be deleterious by in silico analysis. Based on the available evidence, the clinical significance of this variant remains unclear.